The following is an entry in ClinVar:

NM_000268.4(NF2):c.368A>G (p.Lys123Arg)

Gene: NF2 (NF2, moesin-ezrin-radixin like (MERLIN) tumor suppressor; plus strand). Cytogenetic location: 22q12.2.
Variant type: single nucleotide variant.
Coding change: c.368A>G on transcript NM_000268.4 (MANE Select); coding-DNA position 368, A replaced by G.
Protein change: p.Lys123Arg; replaces lysine 123 with arginine.
Molecular consequence: missense variant. On other transcripts: non-coding transcript variant (1).
Genome position (GRCh38, 1-based): chr22:29,642,206, A>G. VCF-style: chr22-29642206-A-G. GRCh37 (hg19) VCF-style: chr22-30038195-A-G.
Other names: c.368A>G (NM_000268.3); c.368A>G, p.Lys123Arg (NM_016418.5, NM_181825.3, NM_181832.3 and 1 more transcripts); c.242A>G, p.Lys81Arg (NM_181828.3); c.245A>G, p.Lys82Arg (NM_181829.3); c.119A>G, p.Lys40Arg (NM_181830.3, NM_181831.3); short protein forms K81R, K82R, K123R, K40R.
Identifiers: ClinVar variation 1502024 (VCV001502024.7), dbSNP rs139779327, ClinGen allele CA031669.

ClinVar aggregate classification (germline): Uncertain significance. Review status: criteria provided, multiple submitters, no conflicts (2 of 4 stars). 2 submissions from 2 submitters: Uncertain significance (2). Last evaluated 2025-01-06.

Conditions:
Hereditary cancer-predisposing syndrome. Also called: Tumor predisposition; Neoplastic Syndromes, Hereditary; Hereditary Cancer Syndrome; Hereditary neoplastic syndrome. Identifiers: Orphanet 140162, MedGen C0027672, MeSH D009386, MONDO:0015356.
Neurofibromatosis, type 2 (SWNV). Also called: BILATERAL ACOUSTIC NEUROFIBROMATOSIS; SCHWANNOMATOSIS, VESTIBULAR; NF2-Related Schwannomatosis. Identifiers: Orphanet 637, MedGen C0027832, MONDO:0007039, OMIM 101000. Disease mechanism: loss of function.

Allele frequency attached by ClinVar (database versions not stated): gnomAD exomes below 0.00001; TOPMed below 0.00001; ExAC 0.00001; gnomAD 0.00001; ESP Exome Variant Server 0.00008.
gnomAD v4.1: 1 of 1,613,760 alleles (0.000062%); highest among the groups gnomAD compares: Non-Finnish European, 0.000085%; no homozygotes.

Submissions (2):

Ambry Genetics
Classification: Uncertain significance for Hereditary cancer-predisposing syndrome. Last evaluated: 2025-01-06. Review status: criteria provided, single submitter. Criteria: Ambry Variant Classification Scheme 2023. Collection method: clinical testing. Allele origin: germline.
Comment: The p.K123R variant (also known as c.368A>G), located in coding exon 4 of the NF2 gene, results from an A to G substitution at nucleotide position 368. The lysine at codon 123 is replaced by arginine, an amino acid with highly similar properties. This amino acid position is conserved. In addition, this alteration is predicted to be deleterious by in silico analysis. Based on the available evidence, the clinical significance of this variant remains unclear.

Labcorp Genetics (formerly Invitae), Labcorp
Classification: Uncertain significance for Neurofibromatosis, type 2. Last evaluated: 2022-01-18. Review status: criteria provided, single submitter. Criteria: Invitae Variant Classification Sherloc (09022015). Collection method: clinical testing. Allele origin: germline.
Comment: Algorithms developed to predict the effect of missense changes on protein structure and function are either unavailable or do not agree on the potential impact of this missense change (SIFT: "Tolerated"; PolyPhen-2: "Possibly Damaging"; Align-GVGD: "Class C0"). Algorithms developed to predict the effect of sequence changes on RNA splicing suggest that this variant may create or strengthen a splice site. This sequence change replaces lysine, which is basic and polar, with arginine, which is basic and polar, at codon 123 of the NF2 protein (p.Lys123Arg). This variant is present in population databases (rs139779327, gnomAD 0.0009%). This variant has not been reported in the literature in individuals affected with NF2-related conditions. In summary, the available evidence is currently insufficient to determine the role of this variant in disease. Therefore, it has been classified as a Variant of Uncertain Significance.